The following is an entry in ClinVar:

NM_000074.3(CD40LG):c.691T>C (p.Leu231=)

Gene: CD40LG (CD40 ligand; plus strand). Cytogenetic location: Xq26.3.
Variant type: single nucleotide variant.
Coding change: c.691T>C on transcript NM_000074.3 (MANE Select); coding-DNA position 691, T replaced by C.
Protein change: p.Leu231=; no amino-acid change (leucine 231 retained).
Molecular consequence: synonymous variant.
Genome position (GRCh38, 1-based): chrX:136,659,320, T>C. VCF-style: chrX-136659320-T-C. GRCh37 (hg19) VCF-style: chrX-135741479-T-C.
Identifiers: ClinVar variation 2883350 (VCV002883350.11), dbSNP rs752876443, ClinGen allele CA10528173.

ClinVar aggregate classification (germline): Likely benign. Review status: criteria provided, multiple submitters, no conflicts (2 of 4 stars). 2 submissions from 2 submitters: Likely benign (2). Last evaluated 2025-08-01.

Conditions:
Hyper-IgM syndrome type 1. Also called: Hyper-IgM Immunodeficiency Syndrome, Type 1; CD40 Ligand Deficiency; X-linked hyper-IgM syndrome; Immunodeficiency, X-linked, with hyper-IgM. Identifiers: Orphanet 101088, MedGen C0398689, MONDO:0010626, OMIM 308230.

Allele frequency attached by ClinVar (database versions not stated): ExAC 0.00001; gnomAD exomes 0.00001; gnomAD 0.00005; TOPMed 0.00005.
gnomAD v4.1: 16 of 1,209,426 alleles (0.0013%); highest among the groups gnomAD compares: African/African-American, 0.0017%; no homozygotes.

Submissions (2):

CeGaT Center for Human Genetics Tuebingen
Classification: Likely benign. Last evaluated: 2025-08-01. Review status: criteria provided, single submitter. Criteria: CeGaT Center For Human Genetics Tuebingen Variant Classification Criteria Version 2. Collection method: clinical testing. Allele origin: germline. Affected: yes. Observed: 1 variant allele.
Comment: CD40LG: BP4, BP7, BS2

Labcorp Genetics (formerly Invitae), Labcorp
Classification: Likely benign for Hyper-IgM syndrome type 1. Last evaluated: 2024-07-08. Review status: criteria provided, single submitter. Criteria: Invitae Variant Classification Sherloc (09022015). Collection method: clinical testing. Allele origin: germline.